The following is an entry in ClinVar:

NC_012920.1(MT-RNR1):m.1106C>T

Gene: MT-RNR1 (mitochondrially encoded 12S RNA; plus strand).
Variant type: single nucleotide variant.
Genome position: chrM-1106-C-T.
Identifiers: ClinVar variation 667034 (VCV000667034.4), dbSNP rs1603218523, ClinGen allele CA913161279.
Genomic context (GRCh38, chrMT:1,106, plus strand): 5'-AACACACAATAGCTAAGACCCAAACTGGGATTAGATACCCCACTATGCTTAGCCCTAAAC[C>T]TCAACAGTTAAATCAACAAAACTGCTCGCCAGAACACTACGAGCCACAGCTTAAAACTCA-3'

ClinVar aggregate classification (germline): Uncertain significance (1 of 4 stars; one submission).

Submission:

Laboratory for Molecular Medicine, Mass General Brigham Personalized Medicine
Classification: Uncertain significance. Last evaluated: 2018-02-13. Review status: criteria provided, single submitter. Criteria: LMM Criteria. Collection method: clinical testing. Allele origin: germline. Inheritance: Mitochondrial inheritance. Observed: 1 variant allele.
Comment: The m.1106C>T variant in MTRNR1, the mitochondrial gene encoding the 12S rRNA, h as been previously identified in one individual with hearing loss (Koning 2008). This variant has been identified in 0.002% of haplotypes (g). However, this frequency is not high enough to rule out a pathogenic role. Th is region of mitochondrial DNA is not evolutionarily conserved (Lu 2010) and thi s variant is part of known polymorphisms associated with mitochondrial haplogrou ps (Tanaka 2004, Lu 2010). In addition, the cytosine (C) nucleotide at position m.1106 is not conserved in mammals, suggesting that a change at this position ma y be tolerated. However, this information is not predictive enough to rule out p athogenicity. In summary, the clinical significance of the m.1106C>T variant is uncertain. ACMG/AMP Criteria applied: BP4.

Literature cited by the submitters: PubMed 18790089.